The following is an entry in ClinVar:

ClinVar aggregate classification (germline): Pathogenic. Review status: criteria provided, multiple submitters, no conflicts (2 of 4 stars). 5 submissions from 5 submitters: Pathogenic (4). 1 of the submissions does not count toward it. Last evaluated 2025-05-01.

Conditions:
Retinal dystrophy. Also called: Inherited retinal dystrophy. Identifiers: Orphanet 71862, MedGen C0854723, MeSH D058499, MONDO:0019118, HP:0000556.
BEST1-related disorder. Also called: BEST1-related condition; BEST1-related disorders. Identifiers: MedGen CN239200.

Submissions (5):

CeGaT Center for Human Genetics Tuebingen
Classification: Pathogenic. Last evaluated: 2025-05-01. Review status: criteria provided, single submitter. Criteria: CeGaT Center For Human Genetics Tuebingen Variant Classification Criteria Version 2. Collection method: clinical testing. Allele origin: germline. Affected: yes. Observed: 4 variant alleles.
Comment: BEST1: PVS1, PM2, PM3

Labcorp Genetics (formerly Invitae), Labcorp
Classification: Pathogenic. Last evaluated: 2024-11-14. Review status: criteria provided, single submitter. Criteria: Invitae Variant Classification Sherloc (09022015). Collection method: clinical testing. Allele origin: germline.
Comment: This sequence change creates a premature translational stop signal (p.Glu374Glyfs*27) in the BEST1 gene. It is expected to result in an absent or disrupted protein product. Loss-of-function variants in BEST1 are known to be pathogenic (PMID: 21825197). This variant is present in population databases (rs766357080, gnomAD 0.002%). This premature translational stop signal has been observed in individual(s) with autosomal recessive bestrophinopathy (PMID: 23096145). This variant has been reported in individual(s) with autosomal dominant vitelliform macular dystrophy (PMID: 21273940); however, the role of the variant in this condition is currently unclear. This variant is also known as c.1118_1119insG, p.Met373. ClinVar contains an entry for this variant (Variation ID: 817619). For these reasons, this variant has been classified as Pathogenic.

Blueprint Genetics
Classification: Pathogenic for BEST1-related disorders. Last evaluated: 2023-09-14. Review status: criteria provided, single submitter. Criteria: ACMG Guidelines, 2015. Collection method: clinical testing. Allele origin: germline. Affected: yes. Observed: 2 variant alleles.

GeneDx
Classification: Pathogenic. Last evaluated: 2018-08-03. Review status: criteria provided, single submitter. Criteria: GeneDx Variant Classification (06012015). Collection method: clinical testing. Allele origin: germline. Affected: yes.
Comment: The c.1120dupG variant has been reported previously as c.1118_1119insG using alternate nomenclature in association with vitelliform macular dystrophy (Kinnick et al., 2011). It has also been reported in association with autosomal recessive bestrophinopathy (Preising et al., 2012). The duplication causes a frameshift starting with codon Glutamic acid 374, changes this amino acid to a Glycine residue and creates a premature Stop codon at position 27 of the new reading frame, denoted p.Glu374GlyfsX27. This variant is predicted to cause loss of normal protein function either through protein truncation or nonsense-mediated mRNA decay. The variant is not observed in large population cohorts (Lek et al., 2016). We consider this variant to be pathogenic.

Institute of Human Genetics, Univ. Regensburg, Univ. Regensburg
Classification: Pathogenic for Retinal dystrophy. Last evaluated: 2021-01-01. Review status: no assertion criteria provided. Criteria: ACMG Guidelines, 2015. Collection method: clinical testing. Allele origin: germline. Affected: yes. Not counted in ClinVar's aggregate classification.

Literature cited by the submitters: PubMed 21825197 (cited by Labcorp Genetics (formerly Invitae), Labcorp); PubMed 23096145 (cited by Labcorp Genetics (formerly Invitae), Labcorp); PubMed 21273940 (cited by Labcorp Genetics (formerly Invitae), Labcorp).

NM_004183.4(BEST1):c.1120dup (p.Glu374fs)

Gene: BEST1 (bestrophin 1; plus strand). Cytogenetic location: 11q12.3.
Variant type: Duplication.
Coding change: c.1120dup on transcript NM_004183.4 (MANE Select); coding-DNA position 1120, one base duplicated (G; older notation c.1120dupG).
Protein change: p.Glu374fs; shifts the reading frame from glutamic acid 374.
Molecular consequence: frameshift variant. On other transcripts: non-coding transcript variant (1).
Genome position (GRCh38, 1-based): chr11:61,962,274, G duplicated; the last of 2 consecutive G bases (chr11:61,962,273-61,962,274); duplicating either gives the same sequence. VCF-style (leftmost placement, unchanged base first): chr11-61962272-T-TG. GRCh37 (hg19) VCF-style: chr11-61729744-T-TG.
Other names: c.940dup, p.Glu314Glyfs (NM_001139443.3); c.859dup, p.Glu287fs (NM_001300786.2); c.940dup, p.Glu314fs (NM_001300787.2); c.802dup, p.Glu268Glyfs (NM_001363591.3); c.*15dup (NM_001363592.2); c.148dup, p.Glu50Glyfs (NM_001363593.3); short protein forms E287fs, E268fs, E374fs, E314fs, E50fs.
Identifiers: ClinVar variation 817619 (VCV000817619.21), dbSNP rs766357080, ClinGen allele CA6041001.
Genomic context (GRCh38, chr11:61,962,272, plus strand): 5'-CTTTGTCCACTGGCTCAGCCCTGCATCTCCTGTTTCTTTCCAGCCTGAACAAAGAGGAGA[T>TG]GGAGTTCCAGCCCAATCAGGAGGACGAGGAGGATGCTCACGCTGGCATCATTGGCCGCTT-3'